The following is an entry in ClinVar:

ClinVar aggregate classification (germline): Uncertain significance. Review status: criteria provided, multiple submitters, no conflicts (2 of 4 stars). 2 submissions from 2 submitters: Uncertain significance (2). Last evaluated 2023-01-10.

Conditions:
X-linked Emery-Dreifuss muscular dystrophy. Also called: Muscular dystrophy, tardive Emery-Dreifuss type, with contractures. Identifiers: Orphanet 261, Orphanet 98863, MedGen C0751337, MONDO:0010680.
Emery-Dreifuss muscular dystrophy 1, X-linked (EDMD1). Also called: Muscular dystrophy, tardive, Dreifuss-Emery type, with contractures; SCAPULOPERONEAL SYNDROME, X-LINKED; HUMEROPERONEAL NEUROMUSCULAR DISEASE; EMD-Related Emery-Dreifuss Muscular Dystrophy, X-Linked. Identifiers: MedGen CN375556, MONDO:0100531, OMIM 310300.

Submissions (2):

Revvity Omics, Revvity
Classification: Uncertain significance for Emery-Dreifuss muscular dystrophy 1, X-linked. Last evaluated: 2023-01-10. Review status: criteria provided, single submitter. Criteria: ACMG Guidelines, 2015. Collection method: clinical testing. Allele origin: germline.

Labcorp Genetics (formerly Invitae), Labcorp
Classification: Uncertain significance for X-linked Emery-Dreifuss muscular dystrophy. Last evaluated: 2022-12-31. Review status: criteria provided, single submitter. Criteria: Invitae Variant Classification Sherloc (09022015). Collection method: clinical testing. Allele origin: germline.
Comment: In summary, the available evidence is currently insufficient to determine the role of this variant in disease. Therefore, it has been classified as a Variant of Uncertain Significance. Variants that disrupt the consensus splice site are a relatively common cause of aberrant splicing (PMID: 17576681, 9536098). Algorithms developed to predict the effect of sequence changes on RNA splicing suggest that this variant may disrupt the consensus splice site. This variant has not been reported in the literature in individuals affected with EMD-related conditions. This variant is not present in population databases (gnomAD no frequency). This sequence change falls in intron 1 of the EMD gene. It does not directly change the encoded amino acid sequence of the EMD protein. It affects a nucleotide within the consensus splice site.

Literature cited by the submitters: PubMed 17576681 (cited by Labcorp Genetics (formerly Invitae), Labcorp); PubMed 9536098 (cited by Labcorp Genetics (formerly Invitae), Labcorp).

NM_000117.3(EMD):c.82+3A>G

Gene: EMD (emerin; plus strand). Cytogenetic location: Xq28.
Variant type: single nucleotide variant.
Coding change: c.82+3A>G on transcript NM_000117.3 (MANE Select); 3 bases into the intron after coding-DNA position 82, A replaced by G.
Molecular consequence: intron variant.
Genome position (GRCh38, 1-based): chrX:154,379,569, A>G. VCF-style: chrX-154379569-A-G. GRCh37 (hg19) VCF-style: chrX-153607929-A-G.
Identifiers: ClinVar variation 2441221 (VCV002441221.6), dbSNP rs2522787173, ClinGen allele CA2580101797.
Genomic context (GRCh38, chrX:154,379,569, plus strand): 5'-GATACCGAGCTGACCACCTTGCTGCGCCGGTACAACATCCCGCACGGGCCTGTAGTAGGT[A>G]CGCGGCGGCGGGCGGGACCCCTTCCGGGCCCCCTCCTCGTGCTCCGCCTCGCGACCTCCC-3'